The following is an entry in ClinVar:

ClinVar aggregate classification (germline): Benign. Review status: criteria provided, multiple submitters, no conflicts (2 of 4 stars). 2 submissions from 2 submitters: Benign (2). Last evaluated 2026-01-27.

Conditions:
Congenital disorder of glycosylation type Ir (CDG1R). Also called: DDOST-congenital disorder of glycosylation. Identifiers: Orphanet 300536, MedGen C3281084, MONDO:0013789, OMIM 614507.

Allele frequency attached by ClinVar (database versions not stated): gnomAD exomes 0.00166; ExAC 0.00217; TOPMed 0.00720; gnomAD 0.00736; ESP Exome Variant Server 0.00749; 1000 Genomes Project 30x 0.01171; 1000 Genomes Project 0.01178.
gnomAD v4.1: 2,064 of 1,612,698 alleles (0.13%); highest among the groups gnomAD compares: African/African-American, 2.5%; 30 homozygotes.

Submissions (2):

Labcorp Genetics (formerly Invitae), Labcorp
Classification: Benign for Congenital disorder of glycosylation type Ir. Last evaluated: 2026-01-27. Review status: criteria provided, single submitter. Criteria: Invitae Variant Classification Sherloc (09022015). Collection method: clinical testing. Allele origin: germline.

GeneDx
Classification: Benign. Last evaluated: 2016-04-15. Review status: criteria provided, single submitter. Criteria: GeneDx Variant Classification (06012015). Collection method: clinical testing. Allele origin: germline. Affected: yes.
Comment: This variant is considered likely benign or benign based on one or more of the following criteria: it is a conservative change, it occurs at a poorly conserved position in the protein, it is predicted to be benign by multiple in silico algorithms, and/or has population frequency not consistent with disease.

NM_005216.5(DDOST):c.-12A>C

Gene: DDOST (dolichyl-diphosphooligosaccharide--protein glycosyltransferase non-catalytic subunit; minus strand). Cytogenetic location: 1p36.12.
Variant type: single nucleotide variant.
Coding change: c.-12A>C on transcript NM_005216.5 (MANE Select); 12 bases upstream of the start codon, A replaced by C.
Molecular consequence: 5 prime UTR variant.
Genome position (GRCh38, 1-based): chr1:20,661,362, T>G on the plus strand (A>C on the coding strand, the complement: DDOST is on the minus strand). VCF-style: chr1-20661362-T-G. GRCh37 (hg19) VCF-style: chr1-20987855-T-G.
Identifiers: ClinVar variation 295162 (VCV000295162.12), dbSNP rs61739382, ClinGen allele CA661393.